The following is an entry in ClinVar:

NM_002834.5(PTPN11):c.10C>G (p.Arg4Gly)

Gene: PTPN11 (protein tyrosine phosphatase non-receptor type 11; plus strand). Cytogenetic location: 12q24.13.
Variant type: single nucleotide variant.
Coding change: c.10C>G on transcript NM_002834.5 (MANE Select); coding-DNA position 10, C replaced by G.
Protein change: p.Arg4Gly; replaces arginine 4 with glycine.
Molecular consequence: missense variant.
Genome position (GRCh38, 1-based): chr12:112,419,121, C>G. VCF-style: chr12-112419121-C-G. GRCh37 (hg19) VCF-style: chr12-112856925-C-G.
Other names: c.10C>G, p.Arg4Gly (NM_001330437.2, NM_001374625.1, NM_080601.3); short protein forms R4G.
Identifiers: ClinVar variation 280283 (VCV000280283.46), dbSNP rs886041517, ClinGen allele CA10603227.

ClinVar aggregate classification (germline): Conflicting classifications of pathogenicity. Review status: criteria provided, conflicting classifications (1 of 4 stars). 5 submissions from 5 submitters: Pathogenic (2); Likely pathogenic (1); Uncertain significance (2). Last evaluated 2025-05-18.

Conditions:
PTPN11-related disorder. Also called: PTPN11-Related Disorders.
Metachondromatosis (METCDS). Identifiers: Orphanet 2499, MedGen C0410530, MONDO:0007979, OMIM 156250.
LEOPARD syndrome 1 (LPRD1). Also called: PTPN11-Related LEOPARD Syndrome; LENTIGINOSIS, CARDIOMYOPATHIC; MULTIPLE LENTIGINES SYNDROME. Identifiers: Orphanet 500, MedGen C4551484, MONDO:0100082, OMIM 151100.
Juvenile myelomonocytic leukemia (JMML). Also called: LEUKEMIA, JUVENILE MYELOMONOCYTIC, SOMATIC. Identifiers: Orphanet 86834, MedGen C0349639, MONDO:0011908, OMIM 607785, HP:0012209.
Noonan syndrome 1 (NS1). Also called: TURNER PHENOTYPE WITH NORMAL KARYOTYPE; PTPN11-Related Noonan Syndrome; FEMALE PSEUDO-TURNER SYNDROME. Identifiers: Orphanet 648, MedGen C4551602, MONDO:0008104, OMIM 163950. Disease mechanism: gain of function.
RASopathy. Also called: Noonan spectrum disorder; rasopathies. Identifiers: Orphanet 536391, MedGen C5555857, MONDO:0021060.

Allele frequency attached by ClinVar (database versions not stated): gnomAD exomes below 0.00001.
gnomAD v4.1: 2 of 1,526,086 alleles (0.00013%); highest among the groups gnomAD compares: Non-Finnish European, 0.00018%; no homozygotes.

Submissions (5):

Labcorp Genetics (formerly Invitae), Labcorp
Classification: Pathogenic for RASopathy. Last evaluated: 2025-05-18. Review status: criteria provided, single submitter. Criteria: Invitae Variant Classification Sherloc (09022015). Collection method: clinical testing. Allele origin: germline.
Comment: This sequence change replaces arginine, which is basic and polar, with glycine, which is neutral and non-polar, at codon 4 of the PTPN11 protein (p.Arg4Gly). This variant is not present in population databases (gnomAD no frequency). This missense change has been observed in individual(s) with PTPN11-related conditions (PMID: 34918830, 36760995). In at least one individual the variant was observed to be de novo. ClinVar contains an entry for this variant (Variation ID: 280283). Invitae Evidence Modeling of protein sequence and biophysical properties (such as structural, functional, and spatial information, amino acid conservation, physicochemical variation, residue mobility, and thermodynamic stability) has been performed for this missense variant. However, the output from this modeling did not meet the statistical confidence thresholds required to predict the impact of this variant on PTPN11 protein function. This variant disrupts the p.Arg4 amino acid residue in PTPN11. Other variant(s) that disrupt this residue have been determined to be pathogenic (PMID: 32112654; internal data). This suggests that this residue is clinically significant, and that variants that disrupt this residue are likely to be disease-causing. For these reasons, this variant has been classified as Pathogenic.

GeneDx
Classification: Pathogenic. Last evaluated: 2024-11-08. Review status: criteria provided, single submitter. Criteria: GeneDx Variant Classification Process June 2021. Collection method: clinical testing. Allele origin: germline. Affected: yes.
Comment: Not observed at significant frequency in large population cohorts (gnomAD); Missense variants in this gene are a common cause of disease and they are underrepresented in the general population; In silico analysis indicates that this missense variant does not alter protein structure/function; This variant is associated with the following publications: (PMID: 36760995, 34918830, 9491886, 11992261, 16053901, 29493581)

CeGaT Center for Human Genetics Tuebingen
Classification: Uncertain significance. Last evaluated: 2021-08-01. Review status: criteria provided, single submitter. Criteria: CeGaT Center For Human Genetics Tuebingen Variant Classification Criteria Version 2. Collection method: clinical testing. Allele origin: germline. Affected: yes. Observed: 2 variant alleles.

Blueprint Genetics
Classification: Likely pathogenic for PTPN11-related disorders. Last evaluated: 2020-05-05. Review status: criteria provided, single submitter. Criteria: ACMG Guidelines, 2015. Collection method: clinical testing. Allele origin: germline. Affected: yes. Observed: 1 variant allele.

Juno Genomics, Hangzhou Juno Genomics, Inc
Classification: Uncertain significance for LEOPARD syndrome 1; Juvenile myelomonocytic leukemia; Metachondromatosis; Noonan syndrome 1. Review status: criteria provided, single submitter. Criteria: ACMG Guidelines, 2015. Collection method: clinical testing. Allele origin: germline.
Comment: Missense variant in a gene that has a low rate of benign missense variation.;The prevalence of the variant in affected individuals is significantly increased compared to the prevalence in controls.

Literature cited by the submitters: PubMed 34918830 (cited by Labcorp Genetics (formerly Invitae), Labcorp); PubMed 36760995 (cited by Labcorp Genetics (formerly Invitae), Labcorp); PubMed 32112654 (cited by Labcorp Genetics (formerly Invitae), Labcorp).